The following is an entry in ClinVar:

ClinVar aggregate classification (germline): Pathogenic/Likely pathogenic. Review status: criteria provided, multiple submitters, no conflicts (2 of 4 stars). 3 submissions from 3 submitters: Pathogenic (2); Likely pathogenic (1). Last evaluated 2024-05-23.

Conditions:
Primary ciliary dyskinesia. Also called: Ciliary dyskinesia. Identifiers: Orphanet 244, MedGen C0008780, MONDO:0016575, HP:0012265.
Primary ciliary dyskinesia 3. Identifiers: Orphanet 244, MedGen C1837618, MONDO:0012085, OMIM 608644.

Submissions (3):

Revvity Omics, Revvity
Classification: Likely pathogenic for Primary ciliary dyskinesia 3. Last evaluated: 2024-05-23. Review status: criteria provided, single submitter. Criteria: ACMG Guidelines, 2015. Collection method: clinical testing. Allele origin: germline.

Myriad Genetics, Inc.
Classification: Pathogenic for Primary ciliary dyskinesia 3. Last evaluated: 2024-02-03. Review status: criteria provided, single submitter. Criteria: Myriad Autosomal Dominant, Autosomal Recessive and X-Linked Classification Criteria (2023). Collection method: clinical testing. Allele origin: unknown.
Comment: NM_001369.2(DNAH5):c.7369C>T(Q2457*) is expected to be pathogenic in the context of primary ciliary dyskinesia, DNAH5-related. This variant is predicted to lead to an abnormal or absent protein product due to the creation of a premature termination codon in DNAH5, a gene where loss-of-function variants are known to be pathogenic. Please note: this variant was assessed in the context of healthy population screening.

Labcorp Genetics (formerly Invitae), Labcorp
Classification: Pathogenic for Primary ciliary dyskinesia. Last evaluated: 2021-03-22. Review status: criteria provided, single submitter. Criteria: Invitae Variant Classification Sherloc (09022015). Collection method: clinical testing. Allele origin: germline.
Comment: This sequence change creates a premature translational stop signal (p.Gln2457*) in the DNAH5 gene. It is expected to result in an absent or disrupted protein product. Loss-of-function variants in DNAH5 are known to be pathogenic (PMID: 11788826, 16627867). For these reasons, this variant has been classified as Pathogenic. This variant has not been reported in the literature in individuals with DNAH5-related conditions. This variant is not present in population databases (ExAC no frequency).

Literature cited by the submitters: PubMed 11788826 (cited by Labcorp Genetics (formerly Invitae), Labcorp); PubMed 16627867 (cited by Labcorp Genetics (formerly Invitae), Labcorp).

NM_001369.3(DNAH5):c.7369C>T (p.Gln2457Ter)

Gene: DNAH5 (dynein axonemal heavy chain 5; minus strand). Cytogenetic location: 5p15.2.
Variant type: single nucleotide variant.
Coding change: c.7369C>T on transcript NM_001369.3 (MANE Select); coding-DNA position 7369, C replaced by T.
Protein change: p.Gln2457Ter; replaces glutamine 2457 with a stop codon.
Molecular consequence: nonsense.
Genome position (GRCh38, 1-based): chr5:13,811,685, G>A on the plus strand (C>T on the coding strand, the complement: DNAH5 is on the minus strand). VCF-style: chr5-13811685-G-A. GRCh37 (hg19) VCF-style: chr5-13811794-G-A.
Other names: c.7369C>T (NM_001369.2); short protein forms Q2457*.
Identifiers: ClinVar variation 1361077 (VCV001361077.8), dbSNP rs2127026486, ClinGen allele CA359189134.